The following is an entry in ClinVar:

NM_001363711.2(DUOX2):c.2506A>G (p.Asn836Asp)

Gene: DUOX2 (dual oxidase 2; minus strand). Cytogenetic location: 15q21.1.
Variant type: single nucleotide variant.
Coding change: c.2506A>G on transcript NM_001363711.2 (MANE Select); coding-DNA position 2506, A replaced by G.
Protein change: p.Asn836Asp; replaces asparagine 836 with aspartic acid.
Molecular consequence: missense variant.
Genome position (GRCh38, 1-based): chr15:45,104,194, T>C on the plus strand (A>G on the coding strand, the complement: DUOX2 is on the minus strand). VCF-style: chr15-45104194-T-C. GRCh37 (hg19) VCF-style: chr15-45396392-T-C.
Other names: c.2506A>G, p.Asn836Asp (NM_014080.5); short protein forms N836D.
Identifiers: ClinVar variation 2102678 (VCV002102678.4), dbSNP rs1894154013, ClinGen allele CA392269544.

ClinVar aggregate classification (germline): Uncertain significance (1 of 4 stars; one submission).

Allele frequency attached by ClinVar (database versions not stated): TOPMed below 0.00001.

Submission:

Labcorp Genetics (formerly Invitae), Labcorp
Classification: Uncertain significance. Last evaluated: 2023-07-17. Review status: criteria provided, single submitter. Criteria: Invitae Variant Classification Sherloc (09022015). Collection method: clinical testing. Allele origin: germline.
Comment: This variant has not been reported in the literature in individuals affected with DUOX2-related conditions. ClinVar contains an entry for this variant (Variation ID: 2102678). Advanced modeling of protein sequence and biophysical properties (such as structural, functional, and spatial information, amino acid conservation, physicochemical variation, residue mobility, and thermodynamic stability) performed at Invitae indicates that this missense variant is not expected to disrupt DUOX2 protein function. This variant is not present in population databases (gnomAD no frequency). This sequence change replaces asparagine, which is neutral and polar, with aspartic acid, which is acidic and polar, at codon 836 of the DUOX2 protein (p.Asn836Asp). In summary, the available evidence is currently insufficient to determine the role of this variant in disease. Therefore, it has been classified as a Variant of Uncertain Significance.